The following is an entry in ClinVar:

NM_016222.4(DDX41):c.1486C>G (p.Leu496Val)

Gene: DDX41 (DEAD-box helicase 41; minus strand). Cytogenetic location: 5q35.3.
Variant type: single nucleotide variant.
Coding change: c.1486C>G on transcript NM_016222.4 (MANE Select); coding-DNA position 1486, C replaced by G.
Protein change: p.Leu496Val; replaces leucine 496 with valine.
Molecular consequence: missense variant.
Genome position (GRCh38, 1-based): chr5:177,512,559, G>C on the plus strand (C>G on the coding strand, the complement: DDX41 is on the minus strand). VCF-style: chr5-177512559-G-C. GRCh37 (hg19) VCF-style: chr5-176939560-G-C.
Other names: c.1108C>G, p.Leu370Val (NM_001321732.2, NM_001321830.2); short protein forms L370V, L496V.
Identifiers: ClinVar variation 4869655 (VCV004869655.1).

ClinVar aggregate classification (germline): Uncertain significance (1 of 4 stars; one submission).

Conditions:
Inborn genetic diseases. Identifiers: MedGen C0950123, MeSH D030342.

Submission:

Ambry Genetics
Classification: Uncertain significance for Inborn genetic diseases. Last evaluated: 2026-04-27. Review status: criteria provided, single submitter. Criteria: Ambry Variant Classification Scheme 2023. Collection method: clinical testing. Allele origin: germline.
Comment: The p.L496V variant (also known as c.1486C>G), located in coding exon 14 of the DDX41 gene, results from a C to G substitution at nucleotide position 1486. The leucine at codon 496 is replaced by valine, an amino acid with highly similar properties. This amino acid position is conserved. In addition, this alteration is predicted to be deleterious by in silico analysis. Based on the available evidence, the clinical significance of this variant remains unclear.